The following is an entry in ClinVar:

ClinVar aggregate classification (germline): Uncertain significance (1 of 4 stars; one submission).

gnomAD v4.1: 2 of 1,613,908 alleles (0.00012%); highest among the groups gnomAD compares: Non-Finnish European, 0.00017%; no homozygotes.

Submission:

Labcorp Genetics (formerly Invitae), Labcorp
Classification: Uncertain significance. Last evaluated: 2025-02-06. Review status: criteria provided, single submitter. Criteria: Invitae Variant Classification Sherloc (09022015). Collection method: clinical testing. Allele origin: germline.
Comment: This sequence change replaces alanine, which is neutral and non-polar, with threonine, which is neutral and polar, at codon 1015 of the RP1 protein (p.Ala1015Thr). This variant is not present in population databases (gnomAD no frequency). This missense change has been observed in individual(s) with retinitis pigmentosa (internal data). An algorithm developed to predict the effect of missense changes on protein structure and function outputs the following: PolyPhen-2: "Benign". The threonine amino acid residue is found in multiple mammalian species, which suggests that this missense change does not adversely affect protein function. In summary, the available evidence is currently insufficient to determine the role of this variant in disease. Therefore, it has been classified as a Variant of Uncertain Significance.

NM_006269.2(RP1):c.3043G>A (p.Ala1015Thr)

Gene: RP1 (RP1 axonemal microtubule associated; plus strand). Cytogenetic location: 8q12.1.
Variant type: single nucleotide variant.
Coding change: c.3043G>A on transcript NM_006269.2 (MANE Select); coding-DNA position 3043, G replaced by A.
Protein change: p.Ala1015Thr; replaces alanine 1015 with threonine.
Molecular consequence: missense variant. On other transcripts: intron variant (1).
Genome position (GRCh38, 1-based): chr8:54,626,925, G>A. VCF-style: chr8-54626925-G-A. GRCh37 (hg19) VCF-style: chr8-55539485-G-A.
Other names: c.787+4637G>A (NM_001375654.1); short protein forms A1015T.
Identifiers: ClinVar variation 4698784 (VCV004698784.1).